The following is an entry in ClinVar:

ClinVar aggregate classification (germline): Likely benign (0 of 4 stars; one submission).

Conditions:
MPDZ-related disorder. Also called: MPDZ-related condition.

Submission:

PreventionGenetics, part of Exact Sciences
Classification: Likely benign for MPDZ-related condition. Last evaluated: 2019-10-28. Review status: no assertion criteria provided. Collection method: clinical testing. Allele origin: germline.
Comment: This variant is classified as likely benign based on ACMG/AMP sequence variant interpretation guidelines (Richards et al. 2015 PMID: 25741868, with internal and published modifications).

NM_001378778.1(MPDZ):c.1291-11_1291-9del

Gene: MPDZ (multiple PDZ domain crumbs cell polarity complex component; minus strand). Cytogenetic location: 9p23.
Variant type: Deletion.
Coding change: c.1291-11_1291-9del on transcript NM_001378778.1 (MANE Select); 11 bases into the intron before coding-DNA position 1291 through 9 bases into the intron before coding-DNA position 1291, 3 bases deleted (TTT; older notation c.1291-11_1291-9delTTT).
Molecular consequence: intron variant.
Genome position (GRCh38, 1-based): chr9:13,206,108-13,206,110, AAA deleted on the plus strand (TTT on the coding strand, the reverse complement: MPDZ is on the minus strand); deleting any 3 consecutive bases within chr9:13,206,108-13,206,121 gives the same sequence; the c. name uses the placement nearest the transcript's 3' end. VCF-style (leftmost placement, unchanged base first): chr9-13206107-TAAA-T. GRCh37 (hg19) VCF-style: chr9-13206106-TAAA-T.
Other names: c.1291-11_1291-9del (NM_001375425.1, NM_001375420.1, NM_001375419.1 and 14 more transcripts).
Identifiers: ClinVar variation 3034034 (VCV003034034.2), dbSNP rs368811859, ClinGen allele CA4987820.
Genomic context (GRCh38, chr9:13,206,107, plus strand): 5'-AATACCTCTACTGCTTGCTGATTAGTAAAACCCTGAAGGTTTGTGCCATCTACCTGTGAT[TAAA>T]AAAAAAAAAAAGCATGTTACATGTTAAATAAATGGATATTTGTATTACCAATTCACAAAA-3'